The following is an entry in ClinVar:

NM_001297.5(CNGB1):c.1707G>C (p.Gln569His)

Gene: CNGB1 (cyclic nucleotide gated channel subunit beta 1; minus strand). Cytogenetic location: 16q21.
Variant type: single nucleotide variant.
Coding change: c.1707G>C on transcript NM_001297.5 (MANE Select); coding-DNA position 1707, G replaced by C.
Protein change: p.Gln569His; replaces glutamine 569 with histidine.
Molecular consequence: missense variant.
Genome position (GRCh38, 1-based): chr16:57,920,481, C>G on the plus strand (G>C on the coding strand, the complement: CNGB1 is on the minus strand). VCF-style: chr16-57920481-C-G. GRCh37 (hg19) VCF-style: chr16-57954385-C-G.
Other names: c.1689G>C, p.Gln563His (NM_001286130.2); short protein forms Q563H, Q569H.
Identifiers: ClinVar variation 963666 (VCV000963666.9), dbSNP rs1961000455, ClinGen allele CA396066701.

ClinVar aggregate classification (germline): Uncertain significance (1 of 4 stars; one submission).

Submission:

Labcorp Genetics (formerly Invitae), Labcorp
Classification: Uncertain significance. Last evaluated: 2024-10-29. Review status: criteria provided, single submitter. Criteria: Invitae Variant Classification Sherloc (09022015). Collection method: clinical testing. Allele origin: germline.
Comment: This sequence change replaces glutamine, which is neutral and polar, with histidine, which is basic and polar, at codon 569 of the CNGB1 protein (p.Gln569His). This variant is not present in population databases (gnomAD no frequency). This variant has not been reported in the literature in individuals affected with CNGB1-related conditions. ClinVar contains an entry for this variant (Variation ID: 963666). Invitae Evidence Modeling of protein sequence and biophysical properties (such as structural, functional, and spatial information, amino acid conservation, physicochemical variation, residue mobility, and thermodynamic stability) indicates that this missense variant is not expected to disrupt CNGB1 protein function with a negative predictive value of 95%. In summary, the available evidence is currently insufficient to determine the role of this variant in disease. Therefore, it has been classified as a Variant of Uncertain Significance.